The following is an entry in ClinVar:

NM_198253.3(TERT):c.219+6C>A

Genes: TERT (telomerase reverse transcriptase; minus strand), LOC110806263 (TERT 5' regulatory region; plus strand). Cytogenetic location: 5p15.33.
Variant type: single nucleotide variant.
Coding change: c.219+6C>A on transcript NM_198253.3 (MANE Select); 6 bases into the intron after coding-DNA position 219, C replaced by A.
Molecular consequence: intron variant.
Genome position (GRCh38, 1-based): chr5:1,294,765, G>T on the plus strand (C>A on the coding strand, the complement: TERT is on the minus strand). VCF-style: chr5-1294765-G-T. GRCh37 (hg19) VCF-style: chr5-1294880-G-T.
Other names: c.219+6C>A (NM_001193376.3).
Identifiers: ClinVar variation 1000077 (VCV001000077.9), dbSNP rs1751283546, ClinGen allele CA1522558897.

ClinVar aggregate classification (germline): Uncertain significance (1 of 4 stars; one submission).

Conditions:
Idiopathic Pulmonary Fibrosis. Also called: Idiopathic fibrosing alveolitis, chronic form; idiopathic fibrosing alveolitis. Identifiers: Orphanet 2032, MedGen C1800706, MeSH D054990, MONDO:0800504.
Dyskeratosis congenita, autosomal dominant 2. Identifiers: MedGen C3151443, MONDO:0013521, OMIM 613989.

Allele frequency attached by ClinVar (database versions not stated): TOPMed below 0.00001.

Submission:

Labcorp Genetics (formerly Invitae), Labcorp
Classification: Uncertain significance for Dyskeratosis congenita, autosomal dominant 2; Idiopathic Pulmonary Fibrosis. Last evaluated: 2023-08-09. Review status: criteria provided, single submitter. Criteria: Invitae Variant Classification Sherloc (09022015). Collection method: clinical testing. Allele origin: germline.
Comment: In summary, the available evidence is currently insufficient to determine the role of this variant in disease. Therefore, it has been classified as a Variant of Uncertain Significance. Variants that disrupt the consensus splice site are a relatively common cause of aberrant splicing (PMID: 17576681, 9536098). Algorithms developed to predict the effect of sequence changes on RNA splicing suggest that this variant is not likely to affect RNA splicing. ClinVar contains an entry for this variant (Variation ID: 1000077). This variant has not been reported in the literature in individuals affected with TERT-related conditions. This variant is not present in population databases (gnomAD no frequency). This sequence change falls in intron 1 of the TERT gene. It does not directly change the encoded amino acid sequence of the TERT protein. It affects a nucleotide within the consensus splice site.

Literature cited by the submitters: PubMed 17576681; PubMed 9536098.